The following is an entry in ClinVar:

NM_000384.3(APOB):c.11651C>G (p.Thr3884Ser)

Gene: APOB (apolipoprotein B; minus strand). Cytogenetic location: 2p24.1.
Variant type: single nucleotide variant.
Coding change: c.11651C>G on transcript NM_000384.3 (MANE Select); coding-DNA position 11651, C replaced by G.
Protein change: p.Thr3884Ser; replaces threonine 3884 with serine.
Molecular consequence: missense variant.
Genome position (GRCh38, 1-based): chr2:21,005,217, G>C on the plus strand (C>G on the coding strand, the complement: APOB is on the minus strand). VCF-style: chr2-21005217-G-C. GRCh37 (hg19) VCF-style: chr2-21228089-G-C.
Other names: short protein forms T3884S.
Identifiers: ClinVar variation 2586181 (VCV002586181.2), dbSNP rs749905188, ClinGen allele CA047041.

ClinVar aggregate classification (germline): Uncertain significance (1 of 4 stars; one submission).

Conditions:
Cardiovascular phenotype. Identifiers: MedGen CN230736.

Submission:

Ambry Genetics
Classification: Uncertain significance for Cardiovascular phenotype. Last evaluated: 2023-07-18. Review status: criteria provided, single submitter. Criteria: Ambry Variant Classification Scheme 2023. Collection method: clinical testing. Allele origin: germline.
Comment: The p.T3884S variant (also known as c.11651C>G), located in coding exon 26 of the APOB gene, results from a C to G substitution at nucleotide position 11651. The threonine at codon 3884 is replaced by serine, an amino acid with similar properties. This amino acid position is conserved. In addition, this alteration is predicted to be tolerated by in silico analysis. Since supporting evidence is limited at this time, the clinical significance of this alteration remains unclear.